The following is an entry in ClinVar:

ClinVar aggregate classification (germline): Conflicting classifications of pathogenicity. Review status: criteria provided, conflicting classifications (1 of 4 stars). 4 submissions from 4 submitters: Uncertain significance (3); Likely benign (1). Last evaluated 2025-10-24.

Conditions:
Short stature due to primary acid-labile subunit deficiency. Also called: Acid-labile subunit, deficiency of; Acid-labile subunit deficiency. Identifiers: Orphanet 140941, MedGen C3900122, MONDO:0014420, OMIM 615961.

Allele frequency attached by ClinVar (database versions not stated): ESP Exome Variant Server 0.00024; gnomAD exomes 0.00055 and 0.00059; gnomAD 0.00065 and 0.00068; ExAC 0.00075; TOPMed 0.00094; 1000 Genomes Project 30x 0.00141; 1000 Genomes Project 0.00160.
gnomAD v4.1: 959 of 1,590,514 alleles (0.06%); highest among the groups gnomAD compares: Middle Eastern, 0.21%; 1 homozygote.

Submissions (4):

GeneDx
Classification: Uncertain significance. Last evaluated: 2025-10-24. Review status: criteria provided, single submitter. Criteria: GeneDx Variant Classification Process June 2021. Collection method: clinical testing. Allele origin: germline. Affected: yes.
Comment: Has not been previously reported in peer-reviewed literature as pathogenic or benign to our knowledge. However, in an abstract by David et al. (2008), this variant was reported in one proband from a cohort of prepubertal children with short stature.; In silico analysis supports that this missense variant has a deleterious effect on protein structure/function; This variant is associated with the following publications: (PMID: David2008[abstract])

Blueprint Genetics
Classification: Likely benign. Last evaluated: 2024-10-16. Review status: criteria provided, single submitter. Criteria: ACMG Guidelines, 2015. Collection method: clinical testing. Allele origin: germline.

Department of Pathology and Laboratory Medicine, Sinai Health System
Classification: Uncertain significance for Short stature due to primary acid-labile subunit deficiency. Last evaluated: 2021-08-20. Review status: criteria provided, single submitter. Criteria: ACMG Guidelines, 2015. Collection method: research. Allele origin: germline.

Illumina Laboratory Services, Illumina
Classification: Uncertain significance for Short stature due to primary acid-labile subunit deficiency. Last evaluated: 2018-01-12. Review status: criteria provided, single submitter. Criteria: ICSL Variant Classification Criteria 13 December 2019. Collection method: clinical testing. Allele origin: germline.

NM_004970.3(IGFALS):c.65C>T (p.Pro22Leu)

Gene: IGFALS (insulin like growth factor binding protein acid labile subunit; minus strand). Cytogenetic location: 16p13.3.
Variant type: single nucleotide variant.
Coding change: c.65C>T on transcript NM_004970.3 (MANE Select); coding-DNA position 65, C replaced by T.
Protein change: p.Pro22Leu; replaces proline 22 with leucine.
Molecular consequence: missense variant. On other transcripts: non-coding transcript variant (1).
Genome position (GRCh38, 1-based): chr16:1,792,353, G>A on the plus strand (C>T on the coding strand, the complement: IGFALS is on the minus strand). VCF-style: chr16-1792353-G-A. GRCh37 (hg19) VCF-style: chr16-1842354-G-A.
Other names: c.179C>T, p.Pro60Leu (NM_001146006.2); short protein forms P22L, P60L.
Identifiers: ClinVar variation 318270 (VCV000318270.10), dbSNP rs199804680, ClinGen allele CA7820734.